The following is an entry in ClinVar:

ClinVar aggregate classification (germline): Uncertain significance (1 of 4 stars; one submission).

Conditions:
Neurodevelopmental disorder with growth retardation, dysmorphic facies, and corpus callosum abnormalities. Identifiers: MedGen C5774251, MONDO:0859312, OMIM 620113.

gnomAD v4.1: 4 of 1,498,572 alleles (0.00027%); highest among the groups gnomAD compares: African/African-American, 0.0057%; no homozygotes.

Submission:

Laboratorio de Genetica e Diagnostico Molecular, Hospital Israelita Albert Einstein
Classification: Uncertain significance for Neurodevelopmental disorder with growth retardation, dysmorphic facies, and corpus callosum abnormalities. Last evaluated: 2024-09-14. Review status: criteria provided, single submitter. Criteria: ACMG Guidelines, 2015. Collection method: clinical testing. Allele origin: germline. Affected: yes.
Comment: ACMG classification criteria: PM2 supporting, PP3 supporting

NM_145246.5(FRA10AC1):c.219+6C>G

Gene: FRA10AC1 (FRA10A associated CGG repeat 1; minus strand). Cytogenetic location: 10q23.33.
Variant type: single nucleotide variant.
Coding change: c.219+6C>G on transcript NM_145246.5 (MANE Select); 6 bases into the intron after coding-DNA position 219, C replaced by G.
Molecular consequence: intron variant.
Genome position (GRCh38, 1-based): chr10:93,698,130, G>C on the plus strand (C>G on the coding strand, the complement: FRA10AC1 is on the minus strand). VCF-style: chr10-93698130-G-C. GRCh37 (hg19) VCF-style: chr10-95457887-G-C.
Other names: c.219+6C>G (NM_001347714.2, NM_001347715.2, NM_001347713.2 and 1 more transcripts).
Identifiers: ClinVar variation 3902019 (VCV003902019.1).